The following is an entry in ClinVar:

ClinVar aggregate classification (germline): Benign. Review status: criteria provided, multiple submitters, no conflicts (2 of 4 stars). 2 submissions from 2 submitters: Benign (2). Last evaluated 2018-01-12.

Conditions:
Hyperglycinuria. Also called: GLYCINURIA WITH OR WITHOUT OXALATE NEPHROLITHIASIS; GLYCINURIA WITH OR WITHOUT OXALATE UROLITHIASIS; IMINOGLYCINURIA TYPE II. Identifiers: MedGen C0543541, MONDO:0007677, OMIM 138500, HP:0003108.

Allele frequency attached by ClinVar (database versions not stated): 1000 Genomes Project 30x 0.01655; 1000 Genomes Project 0.01757; TOPMed 0.02891; gnomAD 0.03192 and 0.03271.

Submissions (2):

Illumina Laboratory Services, Illumina
Classification: Benign for Hyperglycinuria. Last evaluated: 2018-01-12. Review status: criteria provided, single submitter. Criteria: ICSL Variant Classification Criteria 13 December 2019. Collection method: clinical testing. Allele origin: germline.
Comment: This variant was observed in the ICSL laboratory as part of a predisposition screen in an ostensibly healthy population. It had not been previously curated by ICSL or reported in the Human Gene Mutation Database (HGMD: prior to June 1st, 2018), and was therefore a candidate for classification through an automated scoring system. Utilizing variant allele frequency, disease prevalence and penetrance estimates, and inheritance mode, an automated score was calculated to assess if this variant is too frequent to cause the disease. Based on the score and internal cut-off values, a variant classified as benign is not then subjected to further curation. The score for this variant resulted in a classification of benign for this disease.

Breakthrough Genomics
Classification: Benign. Review status: criteria provided, single submitter. Criteria: ACMG Guidelines, 2015. Collection method: not provided. Allele origin: germline. Inheritance: Autosomal recessive inheritance. Affected: yes.

NM_020208.4(SLC6A20):c.*2244G>A

Gene: SLC6A20 (solute carrier family 6 member 20; minus strand). Cytogenetic location: 3p21.31.
Variant type: single nucleotide variant.
Coding change: c.*2244G>A on transcript NM_020208.4 (MANE Select); 2244 bases downstream of the stop codon, G replaced by A.
Molecular consequence: 3 prime UTR variant.
Genome position (GRCh38, 1-based): chr3:45,756,734, C>T on the plus strand (G>A on the coding strand, the complement: SLC6A20 is on the minus strand). VCF-style: chr3-45756734-C-T. GRCh37 (hg19) VCF-style: chr3-45798226-C-T.
Other names: c.*2244G>A (NM_022405.4).
Identifiers: ClinVar variation 345358 (VCV000345358.6), dbSNP rs17213127, ClinGen allele CA10616535.
Genomic context (GRCh38, chr3:45,756,734, plus strand): 5'-GAAACTCTCCAGAATTCCATGATCTCAAGGAAGCACTGGACGTTAGAGCAGGAAGGGACT[C>T]GCTCACTTTAGGGGTAACGACCTACTTTATTGCAGTTAAAAAAAGAAAAATTTTTTTGAG-3'